The following is an entry in ClinVar:

NM_001042413.2(GLIS3):c.758G>T (p.Ser253Ile)

Gene: GLIS3 (GLIS family zinc finger 3; minus strand). Cytogenetic location: 9p24.2.
Variant type: single nucleotide variant.
Coding change: c.758G>T on transcript NM_001042413.2 (MANE Select); coding-DNA position 758, G replaced by T.
Protein change: p.Ser253Ile; replaces serine 253 with isoleucine.
Molecular consequence: missense variant.
Genome position (GRCh38, 1-based): chr9:4,118,720, C>A on the plus strand (G>T on the coding strand, the complement: GLIS3 is on the minus strand). VCF-style: chr9-4118720-C-A. GRCh37 (hg19) VCF-style: chr9-4118720-C-A.
Other names: c.293G>T, p.Ser98Ile (NM_152629.4); short protein forms S253I, S98I.
Identifiers: ClinVar variation 912963 (VCV000912963.10), dbSNP rs372326856, ClinGen allele CA188329586.

ClinVar aggregate classification (germline): Uncertain significance. Review status: criteria provided, multiple submitters, no conflicts (2 of 4 stars). 2 submissions from 2 submitters: Uncertain significance (2). Last evaluated 2024-07-31.

Conditions:
Neonatal diabetes mellitus with congenital hypothyroidism. Also called: NDH SYNDROME. Identifiers: Orphanet 79118, MedGen C1857775, MONDO:0012436, OMIM 610199.

Allele frequency attached by ClinVar (database versions not stated): gnomAD exomes below 0.00001; gnomAD 0.00001; TOPMed 0.00001; ESP Exome Variant Server 0.00008.
gnomAD v4.1: 75 of 1,613,862 alleles (0.0046%); highest among the groups gnomAD compares: Non-Finnish European, 0.0062%; no homozygotes.

Submissions (2):

Labcorp Genetics (formerly Invitae), Labcorp
Classification: Uncertain significance. Last evaluated: 2024-07-31. Review status: criteria provided, single submitter. Criteria: Invitae Variant Classification Sherloc (09022015). Collection method: clinical testing. Allele origin: germline.
Comment: This sequence change replaces serine, which is neutral and polar, with isoleucine, which is neutral and non-polar, at codon 98 of the GLIS3 protein (p.Ser98Ile). This variant is present in population databases (rs372326856, gnomAD 0.004%). This variant has not been reported in the literature in individuals affected with GLIS3-related conditions. ClinVar contains an entry for this variant (Variation ID: 912963). An algorithm developed to predict the effect of missense changes on protein structure and function (PolyPhen-2) suggests that this variant is likely to be tolerated. In summary, the available evidence is currently insufficient to determine the role of this variant in disease. Therefore, it has been classified as a Variant of Uncertain Significance.

Illumina Laboratory Services, Illumina
Classification: Uncertain significance for Neonatal diabetes mellitus with congenital hypothyroidism. Last evaluated: 2017-04-27. Review status: criteria provided, single submitter. Criteria: ICSL Variant Classification Criteria 13 December 2019. Collection method: clinical testing. Allele origin: germline.